The following is an entry in ClinVar:

ClinVar aggregate classification (germline): Pathogenic (1 of 4 stars; one submission).

Conditions:
Intellectual developmental disorder with autism and macrocephaly. Also called: Autism, susceptibility to, 18; CHD8-Related Neurodevelopmental Disorder with Overgrowth. Identifiers: Orphanet 642675, MedGen C3554373, MONDO:0014017, OMIM 615032.

Submission:

Victorian Clinical Genetics Services, Murdoch Childrens Research Institute
Classification: Pathogenic for Intellectual developmental disorder with autism and macrocephaly. Last evaluated: 2022-02-02. Review status: criteria provided, single submitter. Criteria: ACMG Guidelines, 2015. Collection method: clinical testing. Allele origin: germline. Inheritance: Autosomal dominant inheritance. Affected: yes.
Comment: Based on the classification scheme VCGS_Germline_v1.3.4, this variant is classified as Pathogenic. Following criteria are met: 0102 - Loss of function is a known mechanism of disease in this gene and is associated with neurodevelopmental syndrome with intellectual disability, autism spectrum disorder, characteristic facies, and macrocephaly (PMID: 30670789). (I) 0107 - This gene is associated with autosomal dominant disease. (I) 0211 - Canonical splice site variant without proven consequence on splicing (no functional evidence available). (SP) 0251 - This variant is heterozygous. (I) 0301 - Variant is absent from gnomAD (both v2 and v3). (SP) 0505 - Abnormal splicing is predicted by in silico tools and affected nucleotide is highly conserved. (SP) 0704 - Another canonical splice variant comparable to the one identified in this case has limited previous evidence for pathogenicity. This splice variant (c.3308-1G>A), has been reported as likely pathogenic in an individual with inborn genetic disease (ClinVar). (SP) 0807 - This variant has no previous evidence of pathogenicity. (I) 0905 - No published segregation evidence has been identified for this variant. (I) 1007 - No published functional evidence has been identified for this variant. (I) 1102 - Strong phenotype match for this individual. (SP) Legend: (SP) - Supporting pathogenic, (I) - Information, (SB) - Supporting benign

Literature cited by the submitters: PubMed 30670789.

NM_001170629.2(CHD8):c.3308-2A>G

Gene: CHD8 (chromodomain helicase DNA binding protein 8; minus strand). Cytogenetic location: 14q11.2.
Variant type: single nucleotide variant.
Coding change: c.3308-2A>G on transcript NM_001170629.2 (MANE Select); the canonical splice acceptor site of the intron before coding-DNA position 3308, A replaced by G.
Molecular consequence: splice acceptor variant.
Genome position (GRCh38, 1-based): chr14:21,403,665, T>C on the plus strand (A>G on the coding strand, the complement: CHD8 is on the minus strand). VCF-style: chr14-21403665-T-C. GRCh37 (hg19) VCF-style: chr14-21871824-T-C.
Other names: c.2471-2A>G (NM_020920.4).
Identifiers: ClinVar variation 1699389 (VCV001699389.3), dbSNP rs2139470242, ClinGen allele CA388901597.